The following is an entry in ClinVar:

ClinVar aggregate classification (germline): Uncertain significance (1 of 4 stars; one submission).

Submission:

GeneDx
Classification: Uncertain significance. Last evaluated: 2023-07-12. Review status: criteria provided, single submitter. Criteria: GeneDx Variant Classification Process June 2021. Collection method: clinical testing. Allele origin: germline. Affected: yes.
Comment: Not observed at significant frequency in large population cohorts (gnomAD); Frameshift variant predicted to result in protein truncation as the last 15 amino acids are replaced with 41 different amino acids, although loss-of-function variants have not been reported downstream of this position in the protein; Has not been previously published as pathogenic or benign to our knowledge

NM_003024.3(ITSN1):c.5120del (p.Gly1707fs)

Gene: ITSN1 (intersectin 1; plus strand). Cytogenetic location: 21q22.11.
Variant type: Deletion.
Coding change: c.5120del on transcript NM_003024.3 (MANE Select); coding-DNA position 5120, one base deleted (G; older notation c.5120delG).
Protein change: p.Gly1707fs; shifts the reading frame from glycine 1707.
Molecular consequence: frameshift variant.
Genome position (GRCh38, 1-based): chr21:33,888,254, G deleted; the last of 3 consecutive G bases (chr21:33,888,252-33,888,254); deleting any one gives the same sequence. VCF-style (leftmost placement, unchanged base first): chr21-33888251-CG-C. GRCh37 (hg19) VCF-style: chr21-35260555-CG-C.
Other names: c.5105del, p.Gly1702fs (NM_001331010.2); short protein forms G1702fs, G1707fs.
Identifiers: ClinVar variation 3360837 (VCV003360837.1).
Genomic context (GRCh38, chr21:33,888,251, plus strand): 5'-AGAAAGACCAGGGCTCCAAAGGTCCAGTTACGAAGTGTCTTCTGCTGCACGAAGTCCCCA[CG>C]GGAGAGATTGTGGTCCGCTTGGACCTGCAGTTGTTTGATGAGCCGTAGGCAGCGGGCTCA-3'